The following is an entry in ClinVar:

NM_001267550.2(TTN):c.25145G>A (p.Arg8382His)

Gene: TTN (titin; minus strand). Cytogenetic location: 2q31.2.
Variant type: single nucleotide variant.
Coding change: c.25145G>A on transcript NM_001267550.2 (MANE Select); coding-DNA position 25145, G replaced by A.
Protein change: p.Arg8382His; replaces arginine 8382 with histidine.
Molecular consequence: missense variant. On other transcripts: intron variant (3).
Genome position (GRCh38, 1-based): chr2:178,717,729, C>T on the plus strand (G>A on the coding strand, the complement: TTN is on the minus strand). VCF-style: chr2-178717729-C-T. GRCh37 (hg19) VCF-style: chr2-179582456-C-T.
Other names: p.R8065H:CGC>CAC; c.24194G>A, p.Arg8065His (NM_001256850.1); c.21413G>A, p.Arg7138His (NM_133378.4); c.13282+20353G>A (NM_003319.4); c.13858+20353G>A (NM_133437.4); c.13657+20353G>A (NM_133432.3); c.25145G>A (NM_001267550.1); short protein forms R8065H, R8382H, R7138H.
Identifiers: ClinVar variation 203334 (VCV000203334.15), dbSNP rs199598066, ClinGen allele CA312070.

ClinVar aggregate classification (germline): Conflicting classifications of pathogenicity. Review status: criteria provided, conflicting classifications (1 of 4 stars). 7 submissions from 7 submitters: Uncertain significance (4); Likely benign (3). Last evaluated 2026-07-13.

Conditions:
TTN-related disorder. Also called: TTN-related condition; TTN-related disease; TTN-related disorders.
Early-onset myopathy with fatal cardiomyopathy (CMYO5). Also called: Salih Myopathy; CONGENITAL MYOPATHY 5 WITH CARDIOMYOPATHY. Identifiers: Orphanet 289377, MedGen C2673677, MONDO:0012714, OMIM 611705. Disease mechanism: loss of function.
Dilated cardiomyopathy 1G (CMD1G). Identifiers: Orphanet 154, MedGen C1858763, MONDO:0011400, OMIM 604145.
Autosomal recessive limb-girdle muscular dystrophy type 2J (LGMDR10). Also called: Limb-girdle muscular dystrophy, type 2J; MUSCULAR DYSTROPHY, LIMB-GIRDLE, AUTOSOMAL RECESSIVE 10. Identifiers: Orphanet 140922, MedGen C1837342, MONDO:0012127, OMIM 608807.
Tibial muscular dystrophy (TMD). Also called: Tibial muscular dystrophy, tardive; Udd Distal Myopathy – Tibial Muscular Dystrophy; UDD MYOPATHY. Identifiers: Orphanet 609, MedGen C1838244, MONDO:0010870, OMIM 600334.
Myopathy, myofibrillar, 9, with early respiratory failure (MFM9). Also called: Myopathy, distal, with early respiratory failure, autosomal dominant; MYOPATHY, PROXIMAL, WITH EARLY RESPIRATORY MUSCLE INVOLVEMENT; Hereditary myopathy with early respiratory failure; EDSTROM MYOPATHY. Identifiers: Orphanet 178464, Orphanet 34521, MedGen C1863599, MONDO:0011362, OMIM 603689.
Hypertrophic cardiomyopathy 9. Also called: Familial hypertrophic cardiomyopathy 9. Identifiers: MedGen C1861065, MONDO:0013412, OMIM 613765.

Allele frequency attached by ClinVar (database versions not stated): gnomAD 0.00009; TOPMed 0.00014; gnomAD exomes 0.00015 and 0.00023; ESP Exome Variant Server 0.00017; ExAC 0.00045.
gnomAD v4.1: 235 of 1,613,060 alleles (0.015%); highest among the groups gnomAD compares: Admixed American, 0.018%; no homozygotes.

Submissions (7):

PreventionGenetics, part of Exact Sciences
Classification: Uncertain significance for TTN-related condition. Last evaluated: 2026-07-13. Review status: criteria provided, single submitter. Criteria: ACMG Guidelines, 2015. Collection method: clinical testing. Allele origin: germline.
Comment: The TTN c.25145G>A variant is predicted to result in the amino acid substitution p.Arg8382His. To our knowledge, this variant has not been reported in individuals with TTN-associated phenotypes in the literature. This variant is reported in 0.040% of alleles in individuals of European (Non-Finnish) descent in gnomAD. Although we suspect that this variant may be benign, at this time, the clinical significance of this variant is uncertain due to the absence of conclusive functional and genetic evidence.

Blueprint Genetics
Classification: Likely benign. Last evaluated: 2024-10-01. Review status: criteria provided, single submitter. Criteria: ACMG Guidelines, 2015. Collection method: clinical testing. Allele origin: germline.

Athena Diagnostics
Classification: Likely benign. Last evaluated: 2023-11-09. Review status: criteria provided, single submitter. Criteria: Athena Diagnostics Criteria. Collection method: clinical testing. Allele origin: unknown.

GeneDx
Classification: Likely benign. Last evaluated: 2021-09-17. Review status: criteria provided, single submitter. Criteria: GeneDx Variant Classification Process June 2021. Collection method: clinical testing. Allele origin: germline. Affected: yes.

Department of Pathology and Laboratory Medicine, Sinai Health System
Classification: Uncertain significance for Tibial muscular dystrophy; Myopathy, myofibrillar, 9, with early respiratory failure; Dilated cardiomyopathy 1G; Autosomal recessive limb-girdle muscular dystrophy type 2J; Early-onset myopathy with fatal cardiomyopathy; Hypertrophic cardiomyopathy 9. Last evaluated: 2020-07-13. Review status: criteria provided, single submitter. Criteria: ACMG Guidelines, 2015. Collection method: research. Allele origin: germline.

Revvity Omics, Revvity
Classification: Uncertain significance. Last evaluated: 2019-05-02. Review status: criteria provided, single submitter. Criteria: ACMG Guidelines, 2015. Collection method: clinical testing. Allele origin: germline.

Eurofins Ntd Llc (ga)
Classification: Uncertain significance. Last evaluated: 2017-08-22. Review status: criteria provided, single submitter. Criteria: EGL Classification Definitions 2015. Collection method: clinical testing. Allele origin: germline. Observed: 1 variant allele, 1 heterozygote.

Literature cited by the submitters: PubMed 29590070 (cited by Athena Diagnostics).